The following is an entry in ClinVar:

ClinVar aggregate classification (germline): Pathogenic. Review status: reviewed by expert panel (3 of 4 stars). 4 submissions from 4 submitters: Pathogenic (1). 3 of the submissions do not count toward it. Last evaluated 2016-10-18.

Conditions:
BRCA1-related disorder. Also called: BRCA1-related condition.
Hereditary cancer-predisposing syndrome. Also called: Hereditary Cancer Syndrome; Neoplastic Syndromes, Hereditary; Hereditary neoplastic syndrome; Tumor predisposition. Identifiers: Orphanet 140162, MedGen C0027672, MeSH D009386, MONDO:0015356.
Breast-ovarian cancer, familial, susceptibility to, 1 (BROVCA1). Also called: BRCA1 Hereditary Breast and Ovarian Cancer; OVARIAN CANCER, SUSCEPTIBILITY TO. Identifiers: Orphanet 145, MedGen C2676676, MONDO:0011450, OMIM 604370. Disease mechanism: loss of function.

Submissions (4):

Evidence-based Network for the Interpretation of Germline Mutant Alleles (ENIGMA)
Classification: Pathogenic for Breast-ovarian cancer, familial, susceptibility to, 1. Last evaluated: 2016-10-18. Review status: reviewed by expert panel. Criteria: ENIGMA BRCA1/2 Classification Criteria (2015). Collection method: curation. Allele origin: germline.
Comment: Variant allele predicted to encode a truncated non-functional protein.

Blueprint Genetics
Classification: Likely pathogenic for BRCA1-related disorders. Last evaluated: 2024-09-10. Review status: criteria provided, single submitter. Criteria: ACMG Guidelines, 2015. Collection method: clinical testing. Allele origin: germline. Affected: yes. Observed: 2 variant alleles. Not counted in ClinVar's aggregate classification.

Ambry Genetics
Classification: Pathogenic for Hereditary cancer-predisposing syndrome. Last evaluated: 2024-01-10. Review status: criteria provided, single submitter. Criteria: Ambry Variant Classification Scheme 2023. Collection method: clinical testing. Allele origin: germline. Not counted in ClinVar's aggregate classification.
Comment: The c.3203_3206delTTCA pathogenic mutation, located in coding exon 9 of the BRCA1 gene, results from a deletion of 4 nucleotides at nucleotide positions 3203 to 3206, causing a translational frameshift with a predicted alternate stop codon (p.I1068Kfs*4). This variant is considered to be rare based on population cohorts in the Genome Aggregation Database (gnomAD). This alteration is expected to result in loss of function by premature protein truncation or nonsense-mediated mRNA decay. As such, this alteration is interpreted as a disease-causing mutation.

Consortium of Investigators of Modifiers of BRCA1/2 (CIMBA), c/o University of Cambridge
Classification: Pathogenic for Breast-ovarian cancer, familial, susceptibility to, 1. Last evaluated: 2015-10-02. Review status: criteria provided, single submitter. Criteria: CIMBA Mutation Classification guidelines May 2016. Collection method: clinical testing. Allele origin: germline. Not counted in ClinVar's aggregate classification.

NM_007294.4(BRCA1):c.3203_3206del (p.Ile1068fs)

Gene: BRCA1 (BRCA1 DNA repair associated; minus strand). Cytogenetic location: 17q21.31.
Variant type: Deletion.
Coding change: c.3203_3206del on transcript NM_007294.4 (MANE Select); coding-DNA positions 3203 to 3206, 4 bases deleted (TTCA; older notation c.3203_3206delTTCA).
Protein change: p.Ile1068fs; shifts the reading frame from isoleucine 1068.
Molecular consequence: frameshift variant. On other transcripts: intron variant (137).
Genome position (GRCh38, 1-based): chr17:43,092,325-43,092,328, TGAA deleted on the plus strand (TTCA on the coding strand, the reverse complement: BRCA1 is on the minus strand); deleting any 4 consecutive bases within chr17:43,092,325-43,092,330 gives the same sequence; the c. name uses the placement nearest the transcript's 3' end. VCF-style (leftmost placement, unchanged base first): chr17-43092324-TTGAA-T. GRCh37 (hg19) VCF-style: chr17-41244341-TTGAA-T.
Other names: 3322del4; c.785-1296_785-1293del (NM_001408397.1, NM_001408401.1, NM_001408396.1 and 13 more transcripts); c.665-1296_665-1293del (NM_001408436.1, NM_001408444.1, NM_001408438.1 and 12 more transcripts); c.788-1296_788-1293del (NM_001407980.1, NM_001407993.1, NM_001407976.1 and 17 more transcripts); c.653-1296_653-1293del (NM_001408451.1); c.644-1296_644-1293del (NM_001408464.1, NM_001408468.1, NM_001408465.1 and 3 more transcripts); c.524-1296_524-1293del (NM_001408498.1, NM_001408501.1, NM_001408500.1 and 3 more transcripts); c.647-1296_647-1293del (NM_001408467.1, NM_001408459.1, NM_001408455.1 and 11 more transcripts); and 44 more; short protein forms I1021fs, I1068fs, I1027fs, I956fs, I957fs, I979fs, I1042fs, I1065fs.
Identifiers: ClinVar variation 266341 (VCV000266341.8), dbSNP rs886040102, ClinGen allele CA10589778.